The following is an entry in ClinVar:

NM_206933.4(USH2A):c.12761A>T (p.Asn4254Ile)

Gene: USH2A (usherin; minus strand). Cytogenetic location: 1q41.
Variant type: single nucleotide variant.
Coding change: c.12761A>T on transcript NM_206933.4 (MANE Select); coding-DNA position 12761, A replaced by T.
Protein change: p.Asn4254Ile; replaces asparagine 4254 with isoleucine.
Molecular consequence: missense variant.
Genome position (GRCh38, 1-based): chr1:215,675,150, T>A on the plus strand (A>T on the coding strand, the complement: USH2A is on the minus strand). VCF-style: chr1-215675150-T-A. GRCh37 (hg19) VCF-style: chr1-215848492-T-A.
Other names: short protein forms N4254I.
Identifiers: ClinVar variation 3633749 (VCV003633749.2).
Genomic context (GRCh38, chr1:215,675,150, plus strand): 5'-ACATAGGATATCACAGGTGGAGAGAGACCTTCTGGAGGTGCTTGCAATGTCCTCACCACA[T>A]TCCAAGAGCTACAGGTATGCCCAGCTGAATTCCAAGTGTAGATTTTATATTCACACTGCG-3'
Protein context (NP_996816.3, residues 4244-4264): NSAGHTCSSW[Asn4254Ile]VVRTLQAPPE

ClinVar aggregate classification (germline): Uncertain significance (1 of 4 stars; one submission).

Submission:

Labcorp Genetics (formerly Invitae), Labcorp
Classification: Uncertain significance. Last evaluated: 2024-12-24. Review status: criteria provided, single submitter. Criteria: Invitae Variant Classification Sherloc (09022015). Collection method: clinical testing. Allele origin: germline.
Comment: This sequence change replaces asparagine, which is neutral and polar, with isoleucine, which is neutral and non-polar, at codon 4254 of the USH2A protein (p.Asn4254Ile). This variant is not present in population databases (gnomAD no frequency). This variant has not been reported in the literature in individuals affected with USH2A-related conditions. Invitae Evidence Modeling of protein sequence and biophysical properties (such as structural, functional, and spatial information, amino acid conservation, physicochemical variation, residue mobility, and thermodynamic stability) indicates that this missense variant is not expected to disrupt USH2A protein function with a negative predictive value of 95%. In summary, the available evidence is currently insufficient to determine the role of this variant in disease. Therefore, it has been classified as a Variant of Uncertain Significance.